The following is an entry in ClinVar:

ClinVar aggregate classification (germline): Uncertain significance (1 of 4 stars; one submission).

Conditions:
Encephalopathy, acute, infection-induced (herpes-specific), susceptibility to, 1. Also called: Herpes simplex encephalitis, susceptibility to, 1. Identifiers: Orphanet 1930, MedGen C2750180, MONDO:0024563, OMIM 610551.

Submission:

Labcorp Genetics (formerly Invitae), Labcorp
Classification: Uncertain significance for Encephalopathy, acute, infection-induced (herpes-specific), susceptibility to, 1. Last evaluated: 2025-07-27. Review status: criteria provided, single submitter. Criteria: Invitae Variant Classification Sherloc (09022015). Collection method: clinical testing. Allele origin: germline.
Comment: This sequence change creates a premature translational stop signal (p.Thr267Ilefs*5) in the TLR3 gene. It is expected to result in an absent or disrupted protein product. However, the current clinical and genetic evidence is not sufficient to establish whether loss-of-function variants in TLR3 cause disease. This variant is not present in population databases (gnomAD no frequency). This variant has not been reported in the literature in individuals affected with TLR3-related conditions. In summary, the available evidence is currently insufficient to determine the role of this variant in disease. Therefore, it has been classified as a Variant of Uncertain Significance.

NM_003265.3(TLR3):c.800del (p.Thr267fs)

Gene: TLR3 (toll like receptor 3; plus strand). Cytogenetic location: 4q35.1.
Variant type: Deletion.
Coding change: c.800del on transcript NM_003265.3 (MANE Select); coding-DNA position 800, one base deleted (C; older notation c.800delC).
Protein change: p.Thr267fs; shifts the reading frame from threonine 267.
Molecular consequence: frameshift variant.
Genome position (GRCh38, 1-based): chr4:186,082,486, C deleted. VCF-style (leftmost placement, unchanged base first): chr4-186082485-AC-A. GRCh37 (hg19) VCF-style: chr4-187003639-AC-A.
Other names: short protein forms T267fs.
Identifiers: ClinVar variation 4724161 (VCV004724161.1).